The following is an entry in ClinVar:

ClinVar aggregate classification (germline): Uncertain significance (1 of 4 stars; one submission).

Submission:

GeneDx
Classification: Uncertain significance. Last evaluated: 2022-05-16. Review status: criteria provided, single submitter. Criteria: GeneDx Variant Classification Process June 2021. Collection method: clinical testing. Allele origin: germline. Affected: yes.
Comment: Not observed at significant frequency in large population cohorts (gnomAD); In silico analysis supports that this missense variant has a deleterious effect on protein structure/function; Has not been previously published as pathogenic or benign to our knowledge

NM_001252102.2(KIF21B):c.272C>T (p.Ala91Val)

Gene: KIF21B (kinesin family member 21B; minus strand). Cytogenetic location: 1q32.1.
Variant type: single nucleotide variant.
Coding change: c.272C>T on transcript NM_001252102.2 (MANE Select); coding-DNA position 272, C replaced by T.
Protein change: p.Ala91Val; replaces alanine 91 with valine.
Molecular consequence: missense variant.
Genome position (GRCh38, 1-based): chr1:201,008,944, G>A on the plus strand (C>T on the coding strand, the complement: KIF21B is on the minus strand). VCF-style: chr1-201008944-G-A. GRCh37 (hg19) VCF-style: chr1-200978072-G-A.
Other names: c.272C>T, p.Ala91Val (NM_001252100.2, NM_001252103.2, NM_017596.4); short protein forms A91V.
Identifiers: ClinVar variation 1800657 (VCV001800657.1), dbSNP rs2465245355, ClinGen allele CA344119002.